The following is an entry in ClinVar:

NM_001283009.2(RTEL1):c.2366C>G (p.Ala789Gly)

Genes: RTEL1 (regulator of telomere elongation helicase 1; plus strand), RTEL1-TNFRSF6B (RTEL1-TNFRSF6B readthrough (NMD candidate); plus strand). Cytogenetic location: 20q13.33.
Variant type: single nucleotide variant.
Coding change: c.2366C>G on transcript NM_001283009.2 (MANE Select); coding-DNA position 2366, C replaced by G.
Protein change: p.Ala789Gly; replaces alanine 789 with glycine.
Molecular consequence: missense variant. On other transcripts: non-coding transcript variant (1).
Genome position (GRCh38, 1-based): chr20:63,690,394, C>G. VCF-style: chr20-63690394-C-G. GRCh37 (hg19) VCF-style: chr20-62321747-C-G.
Other names: c.1697C>G, p.Ala566Gly (NM_001283010.1); c.2366C>G, p.Ala789Gly (NM_016434.4); c.2438C>G, p.Ala813Gly (NM_032957.5); short protein forms A566G, A813G, A789G.
Identifiers: ClinVar variation 1400285 (VCV001400285.8), dbSNP rs2090707111, ClinGen allele CA409681105.

ClinVar aggregate classification (germline): Uncertain significance (1 of 4 stars; one submission).

Conditions:
Pulmonary fibrosis and/or bone marrow failure, Telomere-related, 3. Also called: PULMONARY FIBROSIS AND/OR BONE MARROW FAILURE SYNDROME, TELOMERE-RELATED, 3. Identifiers: Orphanet 2032, MedGen C4225346, MONDO:0014613, OMIM 616373.
Dyskeratosis congenita, autosomal recessive 5 (DKCB5). Identifiers: MedGen C3554656, MONDO:0014076, OMIM 615190.

Submission:

Labcorp Genetics (formerly Invitae), Labcorp
Classification: Uncertain significance for Dyskeratosis congenita, autosomal recessive 5; Pulmonary fibrosis and/or bone marrow failure, Telomere-related, 3. Last evaluated: 2023-12-07. Review status: criteria provided, single submitter. Criteria: Invitae Variant Classification Sherloc (09022015). Collection method: clinical testing. Allele origin: germline.
Comment: This sequence change replaces alanine, which is neutral and non-polar, with glycine, which is neutral and non-polar, at codon 789 of the RTEL1 protein (p.Ala789Gly). This variant is not present in population databases (gnomAD no frequency). This variant has not been reported in the literature in individuals affected with RTEL1-related conditions. ClinVar contains an entry for this variant (Variation ID: 1400285). An algorithm developed to predict the effect of missense changes on protein structure and function (PolyPhen-2) suggests that this variant is likely to be disruptive. Algorithms developed to predict the effect of sequence changes on RNA splicing suggest that this variant may disrupt the consensus splice site. In summary, the available evidence is currently insufficient to determine the role of this variant in disease. Therefore, it has been classified as a Variant of Uncertain Significance.